The following is an entry in ClinVar:

ClinVar aggregate classification (germline): Uncertain significance. Review status: criteria provided, multiple submitters, no conflicts (2 of 4 stars). 2 submissions from 2 submitters: Uncertain significance (2). Last evaluated 2025-09-15.

Allele frequency attached by ClinVar (database versions not stated): ExAC below 0.00001; TOPMed 0.00004; gnomAD 0.00006 and 0.00005.
gnomAD v4.1: 51 of 1,541,052 alleles (0.0033%); highest among the groups gnomAD compares: Non-Finnish European, 0.004%; no homozygotes.

Submissions (2):

GeneDx
Classification: Uncertain significance. Last evaluated: 2025-09-15. Review status: criteria provided, single submitter. Criteria: GeneDx Variant Classification Process June 2021. Collection method: clinical testing. Allele origin: germline. Affected: yes.
Comment: Not observed at significant frequency in large population cohorts (gnomAD); In silico analysis suggests that this variant does not alter splicing; Has not been previously published as pathogenic or benign to our knowledge; This variant is associated with the following publications: (PMID: 31589614)

Women's Health and Genetics/Laboratory Corporation of America, LabCorp
Classification: Uncertain significance. Last evaluated: 2024-05-02. Review status: criteria provided, single submitter. Criteria: LabCorp Variant Classification Summary - May 2015. Collection method: clinical testing. Allele origin: germline.
Comment: Variant summary: TRMU c.82+5G>C alters a non-conserved nucleotide located close to a canonical splice site and therefore could affect mRNA splicing, leading to a significantly altered protein sequence. Several computational tools predict a significant impact on normal splicing: Three predict the variant weakens a 5' donor site. One predict the variant abolishes a 5 splicing donor site. However, these predictions have yet to be confirmed by functional studies. The variant allele was found at a frequency of 2.2e-05 in 134158 control chromosomes. The available data on variant occurrences in the general population are insufficient to allow any conclusion about variant significance. To our knowledge, no occurrence of c.82+5G>C in individuals affected with Liver Failure Acute Infantile, Transient and no experimental evidence demonstrating its impact on protein function have been reported. ClinVar contains an entry for this variant (Variation ID: 427104). Based on the evidence outlined above, the variant was classified as VUS-possibly pathogenic.

NM_018006.5(TRMU):c.82+5G>C

Gene: TRMU (tRNA mitochondrial 2-thiouridylase; plus strand). Cytogenetic location: 22q13.31.
Variant type: single nucleotide variant.
Coding change: c.82+5G>C on transcript NM_018006.5 (MANE Select); 5 bases into the intron after coding-DNA position 82, G replaced by C.
Molecular consequence: intron variant.
Genome position (GRCh38, 1-based): chr22:46,335,851, G>C. VCF-style: chr22-46335851-G-C. GRCh37 (hg19) VCF-style: chr22-46731748-G-C.
Other names: c.82+5G>C (NM_001282785.2); c.-154+5G>C (NM_001282782.2); c.-173+5G>C (NM_001282783.2, NM_001282784.2).
Identifiers: ClinVar variation 427104 (VCV000427104.6), dbSNP rs771076163, ClinGen allele CA10291923.